The following is an entry in ClinVar:

ClinVar aggregate classification (germline): Uncertain significance (1 of 4 stars; one submission).

Conditions:
Duane-radial ray syndrome (DRRS). Also called: ACRORENOOCULAR SYNDROME; DR SYNDROME; DUANE ANOMALY WITH RADIAL RAY ABNORMALITIES AND DEAFNESS; Okihiro Syndrome; Duane-Radial Ray Syndrome (DRRS) / Okihiro Syndrome; Duane-Radial Ray Syndrome/Okihiro Syndrome. Identifiers: Orphanet 93293, Orphanet 959, MedGen C1623209, MONDO:0011812, OMIM 607323. Disease mechanism: gain of function.

Submission:

Labcorp Genetics (formerly Invitae), Labcorp
Classification: Uncertain significance for Duane-radial ray syndrome. Last evaluated: 2024-04-22. Review status: criteria provided, single submitter. Criteria: Invitae Variant Classification Sherloc (09022015). Collection method: clinical testing. Allele origin: germline.
Comment: This sequence change replaces serine, which is neutral and polar, with threonine, which is neutral and polar, at codon 1006 of the SALL4 protein (p.Ser1006Thr). This variant is not present in population databases (gnomAD no frequency). This variant has not been reported in the literature in individuals affected with SALL4-related conditions. An algorithm developed to predict the effect of missense changes on protein structure and function (PolyPhen-2) suggests that this variant is likely to be disruptive. In summary, the available evidence is currently insufficient to determine the role of this variant in disease. Therefore, it has been classified as a Variant of Uncertain Significance.

NM_020436.5(SALL4):c.3016T>A (p.Ser1006Thr)

Gene: SALL4 (spalt like transcription factor 4; minus strand). Cytogenetic location: 20q13.2.
Variant type: single nucleotide variant.
Coding change: c.3016T>A on transcript NM_020436.5 (MANE Select); coding-DNA position 3016, T replaced by A.
Protein change: p.Ser1006Thr; replaces serine 1006 with threonine.
Molecular consequence: missense variant.
Genome position (GRCh38, 1-based): chr20:51,784,411, A>T on the plus strand (T>A on the coding strand, the complement: SALL4 is on the minus strand). VCF-style: chr20-51784411-A-T. GRCh37 (hg19) VCF-style: chr20-50400950-A-T.
Other names: c.1705T>A, p.Ser569Thr (NM_001318031.2); short protein forms S569T, S1006T.
Identifiers: ClinVar variation 3719077 (VCV003719077.2).